The following is an entry in ClinVar:

NM_015909.4(NBAS):c.956A>G (p.Asp319Gly)

Gene: NBAS (NBAS subunit of NRZ tethering complex; minus strand). Cytogenetic location: 2p24.3.
Variant type: single nucleotide variant.
Coding change: c.956A>G on transcript NM_015909.4 (MANE Select); coding-DNA position 956, A replaced by G.
Protein change: p.Asp319Gly; replaces aspartic acid 319 with glycine.
Molecular consequence: missense variant. On other transcripts: non-coding transcript variant (1).
Genome position (GRCh38, 1-based): chr2:15,489,021, T>C on the plus strand (A>G on the coding strand, the complement: NBAS is on the minus strand). VCF-style: chr2-15489021-T-C. GRCh37 (hg19) VCF-style: chr2-15629145-T-C.
Other names: short protein forms D319G.
Identifiers: ClinVar variation 3376998 (VCV003376998.1).
Genomic context (GRCh38, chr2:15,489,021, plus strand): 5'-GAGAAGTGAATGGCTGCCAGGAGCATCCCATCTGGAGAAAGGCTCATCTTAAAAATTCCA[T>C]CCTAAATAAGAATCATAAGGTCAGGGCAAAGGACTTATGGTCAAATGTAAATAACTCAGA-3'
Protein context (NP_056993.2, residues 309-329): KFYSRQGQEQ[Asp319Gly]GIFKMSLSPD

ClinVar aggregate classification (germline): Likely pathogenic (1 of 4 stars; one submission).

Conditions:
Infantile liver failure syndrome 2 (ILFS2). Identifiers: MedGen C3809651, MONDO:0014659, OMIM 616483.

Submission:

Victorian Clinical Genetics Services, Murdoch Childrens Research Institute
Classification: Likely pathogenic for Infantile liver failure syndrome 2. Last evaluated: 2024-10-10. Review status: criteria provided, single submitter. Criteria: ACMG Guidelines, 2015. Collection method: clinical testing. Allele origin: germline. Inheritance: Autosomal recessive inheritance. Affected: yes.
Comment: Based on the classification scheme VCGS_Germline_v1.3.4, this variant is classified as Likely pathogenic. Following criteria are met: 0102 - Loss of function is a known mechanism of disease in this gene and is associated with infantile liver failure syndrome 2 (MIM#616483) and short stature, optic nerve atrophy, and Pelger-Huet anomaly (MIM#614800). (I) 0106 - This gene is associated with autosomal recessive disease. (I) 0200 - Variant is predicted to result in a missense amino acid change from aspartic acid to glycine. (I) 0251 - This variant is heterozygous. (I) 0301 - Variant is absent from gnomAD (v2, v3 and v4). (SP) 0309 - An alternative amino acid change at the same position has been observed in gnomAD (v4) (highest allele frequency: 1 heterozygote, 0 homozygotes). (I) 0502 - Missense variant with conflicting in silico predictions and uninformative conservation. (I) 0600 - Variant is located in the annotated NBAS N-terminal domain (DECIPHER). (I) 0705 - No comparable missense variants have previous evidence for pathogenicity. (I) 0807 - This variant has no previous evidence of pathogenicity. (I) 0905 - No published segregation evidence has been identified for this variant. (I) 1007 - No published functional evidence has been identified for this variant. (I) 1102 - Strong phenotype match for this individual. (SP) 1201 - Heterozygous variant detected in trans with a second pathogenic heterozygous variant (NM_015909.3:c.513+2T>C) in a recessive disease. (I) Legend: (SP) - Supporting pathogenic, (I) - Information, (SB) - Supporting benign